The following is an entry in ClinVar:

NM_000138.5(FBN1):c.1715-1G>C

Gene: FBN1 (fibrillin 1; minus strand). Cytogenetic location: 15q21.1.
Variant type: single nucleotide variant.
Coding change: c.1715-1G>C on transcript NM_000138.5 (MANE Select); the canonical splice acceptor site of the intron before coding-DNA position 1715, G replaced by C.
Molecular consequence: splice acceptor variant.
Genome position (GRCh38, 1-based): chr15:48,508,705, C>G on the plus strand (G>C on the coding strand, the complement: FBN1 is on the minus strand). VCF-style: chr15-48508705-C-G. GRCh37 (hg19) VCF-style: chr15-48800902-C-G.
Other names: c.1715-1G>C (NM_001406716.1).
Identifiers: ClinVar variation 4056320 (VCV004056320.1).
Genomic context (GRCh38, chr15:48,508,705, plus strand): 5'-CATCTTCATTGATACACATTCCATTAAGGCACATGTTCCTTATGCTGCATTCATCCATAT[C>G]TGAAAATACAAAACATACATTTTCTTATGACCAGAAGAGTAAGCTTACGAAGGAAACCAA-3'

ClinVar aggregate classification (germline): Likely pathogenic (1 of 4 stars; one submission).

Conditions:
Marfan syndrome (MFS). Also called: MARFAN SYNDROME, TYPE I; Marfan syndrome type 1; Marfan's syndrome; FBN1-Related Marfan Syndrome; Marfan syndrome, classic. Identifiers: Orphanet 284963, Orphanet 558, MedGen C0024796, MONDO:0007947, OMIM 154700.

Submission:

Institute of Human Genetics, University of Leipzig Medical Center
Classification: Likely pathogenic for Marfan syndrome. Last evaluated: 2025-06-02. Review status: criteria provided, single submitter. Criteria: ACMG Guidelines, 2015. Collection method: clinical testing. Allele origin: unknown. Inheritance: Autosomal dominant inheritance. Affected: yes.
Comment: Criteria applied: PVS1,PM2_SUP